The following is an entry in ClinVar:

ClinVar aggregate classification (germline): Uncertain significance. Review status: criteria provided, multiple submitters, no conflicts (2 of 4 stars). 2 submissions from 2 submitters: Uncertain significance (2). Last evaluated 2025-09-28.

Allele frequency attached by ClinVar (database versions not stated): gnomAD exomes below 0.00001; ExAC 0.00001; TOPMed 0.00004.
gnomAD v4.1: 3 of 1,612,986 alleles (0.00019%); highest among the groups gnomAD compares: African/African-American, 0.004%; no homozygotes.

Submissions (2):

Ambry Genetics
Classification: Uncertain significance. Last evaluated: 2025-09-28. Review status: criteria provided, single submitter. Criteria: Ambry Variant Classification Scheme 2023. Collection method: clinical testing. Allele origin: germline.

Labcorp Genetics (formerly Invitae), Labcorp
Classification: Uncertain significance. Last evaluated: 2023-04-01. Review status: criteria provided, single submitter. Criteria: Invitae Variant Classification Sherloc (09022015). Collection method: clinical testing. Allele origin: germline.
Comment: This sequence change replaces glycine, which is neutral and non-polar, with valine, which is neutral and non-polar, at codon 36 of the RELB protein (p.Gly36Val). This variant is present in population databases (rs754937434, gnomAD 0.007%). This variant has not been reported in the literature in individuals affected with RELB-related conditions. ClinVar contains an entry for this variant (Variation ID: 1397659). An algorithm developed to predict the effect of missense changes on protein structure and function (PolyPhen-2) suggests that this variant is likely to be disruptive. In summary, the available evidence is currently insufficient to determine the role of this variant in disease. Therefore, it has been classified as a Variant of Uncertain Significance.

NM_006509.4(RELB):c.107G>T (p.Gly36Val)

Gene: RELB (RELB proto-oncogene, NF-kB subunit; plus strand). Cytogenetic location: 19q13.32.
Variant type: single nucleotide variant.
Coding change: c.107G>T on transcript NM_006509.4 (MANE Select); coding-DNA position 107, G replaced by T.
Protein change: p.Gly36Val; replaces glycine 36 with valine.
Molecular consequence: missense variant.
Genome position (GRCh38, 1-based): chr19:45,002,949, G>T. VCF-style: chr19-45002949-G-T. GRCh37 (hg19) VCF-style: chr19-45506207-G-T.
Other names: c.107G>T (NM_006509.3); short protein forms G36V.
Identifiers: ClinVar variation 1397659 (VCV001397659.9), dbSNP rs754937434, ClinGen allele CA9507431.